The following is an entry in ClinVar:

NM_001283009.2(RTEL1):c.1454T>C (p.Val485Ala)

Genes: RTEL1 (regulator of telomere elongation helicase 1; plus strand), RTEL1-TNFRSF6B (RTEL1-TNFRSF6B readthrough (NMD candidate); plus strand). Cytogenetic location: 20q13.33.
Variant type: single nucleotide variant.
Coding change: c.1454T>C on transcript NM_001283009.2 (MANE Select); coding-DNA position 1454, T replaced by C.
Protein change: p.Val485Ala; replaces valine 485 with alanine.
Molecular consequence: missense variant. On other transcripts: non-coding transcript variant (1).
Genome position (GRCh38, 1-based): chr20:63,687,743, T>C. VCF-style: chr20-63687743-T-C. GRCh37 (hg19) VCF-style: chr20-62319096-T-C.
Other names: c.785T>C, p.Val262Ala (NM_001283010.1); c.1454T>C, p.Val485Ala (NM_016434.4); c.1526T>C, p.Val509Ala (NM_032957.5); short protein forms V485A, V509A, V262A.
Identifiers: ClinVar variation 4629529 (VCV004629529.1).

ClinVar aggregate classification (germline): Uncertain significance (1 of 4 stars; one submission).

Conditions:
Inborn genetic diseases. Identifiers: MedGen C0950123, MeSH D030342.

Submission:

Ambry Genetics
Classification: Uncertain significance for Inborn genetic diseases. Last evaluated: 2025-10-03. Review status: criteria provided, single submitter. Criteria: Ambry Variant Classification Scheme 2023. Collection method: clinical testing. Allele origin: germline.
Comment: The p.V485A variant (also known as c.1454T>C), located in coding exon 16 of the RTEL1 gene, results from a T to C substitution at nucleotide position 1454. The valine at codon 485 is replaced by alanine, an amino acid with similar properties. This amino acid position is conserved. In addition, this alteration is predicted to be tolerated by in silico analysis. Based on the available evidence, the clinical significance of this variant remains unclear.